The following is an entry in ClinVar:

NM_001385641.1(SAMD11):c.1195+48_1195+96del

Gene: SAMD11 (sterile alpha motif domain containing 11; plus strand). Cytogenetic location: 1p36.33.
Variant type: Deletion.
Coding change: c.1195+48_1195+96del on transcript NM_001385641.1 (MANE Select); bases 48 to 96 of the intron after coding-DNA position 1195, 49 bases deleted.
Molecular consequence: intron variant. On other transcripts: splice donor variant (1).
Genome position (GRCh38, 1-based): chr1:939,460-939,508, 49 bases deleted; deleting any 49 consecutive bases within chr1:939,437-939,508 gives the same sequence; the c. name uses the placement nearest the transcript's 3' end. GRCh37 (hg19): chr1:874,840-874,888.
Other names: c.706_706+48del49 (NM_152486.2); c.1198+48_1198+96del (NM_001385640.1); c.706_706+48del (NM_152486.4).
Identifiers: ClinVar variation 1164609 (VCV001164609.11), dbSNP rs745625383, ClinGen allele CA502742.

ClinVar aggregate classification (germline): Benign. Review status: criteria provided, single submitter (1 of 4 stars). 2 submissions from 2 submitters: Benign (1). 1 of the submissions does not count toward it. Last evaluated 2026-01-20.

Conditions:
SAMD11-related disorder. Also called: SAMD11-related condition.

Submissions (2):

Labcorp Genetics (formerly Invitae), Labcorp
Classification: Benign. Last evaluated: 2026-01-20. Review status: criteria provided, single submitter. Criteria: Invitae Variant Classification Sherloc (09022015). Collection method: clinical testing. Allele origin: germline.

PreventionGenetics, part of Exact Sciences
Classification: Benign for SAMD11-related condition. Last evaluated: 2022-02-09. Review status: no assertion criteria provided. Collection method: clinical testing. Allele origin: germline. Not counted in ClinVar's aggregate classification.
Comment: This variant is classified as benign based on ACMG/AMP sequence variant interpretation guidelines (Richards et al. 2015 PMID: 25741868, with internal and published modifications).